The following is an entry in ClinVar:

NM_025193.4(HSD3B7):c.387C>T (p.Ser129=)

Gene: HSD3B7 (hydroxy-delta-5-steroid dehydrogenase, 3 beta- and steroid delta-isomerase 7; plus strand). Cytogenetic location: 16p11.2.
Variant type: single nucleotide variant.
Coding change: c.387C>T on transcript NM_025193.4 (MANE Select); coding-DNA position 387, C replaced by T.
Protein change: p.Ser129=; no amino-acid change (serine 129 retained).
Molecular consequence: synonymous variant.
Genome position (GRCh38, 1-based): chr16:30,986,487, C>T. VCF-style: chr16-30986487-C-T. GRCh37 (hg19) VCF-style: chr16-30997808-C-T.
Other names: c.387C>T, p.Ser129= (NM_001142777.2, NM_001142778.2).
Identifiers: ClinVar variation 3049549 (VCV003049549.2), dbSNP rs1173248937, ClinGen allele CA494920106.
Genomic context (GRCh38, chr16:30,986,487, plus strand): 5'-CCGGAACGTGATCGAGGCTTGTGTGCAGACCGGAACACGGTTCCTGGTCTACACCAGCAG[C>T]ATGGAAGTTGTGGGGCCTAACACCAAAGGTCACCCCTTCTACAGGTGAGTGGCAGGCCCT-3'
Protein context (NP_079469.2, residues 119-139): TGTRFLVYTS[Ser129=]MEVVGPNTKG

ClinVar aggregate classification (germline): Likely benign (0 of 4 stars; one submission).

Conditions:
HSD3B7-related disorder. Also called: HSD3B7-related condition.

Allele frequency attached by ClinVar (database versions not stated): gnomAD exomes below 0.00001; gnomAD 0.00002; TOPMed 0.00002.

Submission:

PreventionGenetics, part of Exact Sciences
Classification: Likely benign for HSD3B7-related condition. Last evaluated: 2023-07-26. Review status: no assertion criteria provided. Collection method: clinical testing. Allele origin: germline.
Comment: This variant is classified as likely benign based on ACMG/AMP sequence variant interpretation guidelines (Richards et al. 2015 PMID: 25741868, with internal and published modifications).